The following is an entry in ClinVar:

ClinVar aggregate classification (germline): Uncertain significance (1 of 4 stars; one submission).

Conditions:
Inborn genetic diseases. Identifiers: MedGen C0950123, MeSH D030342.

Submission:

Ambry Genetics
Classification: Uncertain significance for Inborn genetic diseases. Last evaluated: 2025-11-10. Review status: criteria provided, single submitter. Criteria: Ambry Variant Classification Scheme 2023. Collection method: clinical testing. Allele origin: germline.
Comment: The p.R104T variant (also known as c.311G>C), located in coding exon 4 of the BUB1B gene, results from a G to C substitution at nucleotide position 311. The arginine at codon 104 is replaced by threonine, an amino acid with similar properties. This amino acid position is conserved. In addition, this alteration is predicted to be deleterious by in silico analysis. Based on the available evidence, the clinical significance of this variant remains unclear.

NM_001211.6(BUB1B):c.311G>C (p.Arg104Thr)

Gene: BUB1B (BUB1 mitotic checkpoint serine/threonine kinase B; plus strand). Cytogenetic location: 15q15.1.
Variant type: single nucleotide variant.
Coding change: c.311G>C on transcript NM_001211.6 (MANE Select); coding-DNA position 311, G replaced by C.
Protein change: p.Arg104Thr; replaces arginine 104 with threonine.
Molecular consequence: missense variant.
Genome position (GRCh38, 1-based): chr15:40,170,608, G>C. VCF-style: chr15-40170608-G-C. GRCh37 (hg19) VCF-style: chr15-40462809-G-C.
Other names: short protein forms R104T.
Identifiers: ClinVar variation 4600561 (VCV004600561.1).